The following is an entry in ClinVar:

ClinVar aggregate classification (germline): Conflicting classifications of pathogenicity. Review status: criteria provided, conflicting classifications (1 of 4 stars). 2 submissions from 2 submitters: Uncertain significance (1); Likely benign (1). Last evaluated 2023-12-19.

Allele frequency attached by ClinVar (database versions not stated): gnomAD 0.00003 and 0.00004; TOPMed 0.00003; 1000 Genomes Project 30x 0.00016; 1000 Genomes Project 0.00020.

Submissions (2):

Athena Diagnostics
Classification: Uncertain significance. Last evaluated: 2023-12-19. Review status: criteria provided, single submitter. Criteria: Athena Diagnostics Criteria. Collection method: clinical testing. Allele origin: unknown.
Comment: Available data are insufficient to determine the clinical significance of the variant at this time. The frequency of this variant in the general population is uninformative in assessment of its pathogenicity. Computational tools disagree on the variant's effect on normal protein function.

GeneDx
Classification: Likely benign. Last evaluated: 2019-02-07. Review status: criteria provided, single submitter. Criteria: GeneDx Variant Classification Process June 2021. Collection method: clinical testing. Allele origin: germline. Affected: yes.

NM_001267550.2(TTN):c.4463C>T (p.Thr1488Met)

Genes: TTN (titin; minus strand), LOC101927055 (uncharacterized LOC101927055; plus strand). Cytogenetic location: 2q31.2.
Variant type: single nucleotide variant.
Coding change: c.4463C>T on transcript NM_001267550.2 (MANE Select); coding-DNA position 4463, C replaced by T.
Protein change: p.Thr1488Met; replaces threonine 1488 with methionine.
Molecular consequence: missense variant. On other transcripts: non-coding transcript variant (1).
Genome position (GRCh38, 1-based): chr2:178,777,721, G>A on the plus strand (C>T on the coding strand, the complement: TTN is on the minus strand). VCF-style: chr2-178777721-G-A. GRCh37 (hg19) VCF-style: chr2-179642448-G-A.
Other names: c.4463C>T, p.Thr1488Met (NM_001256850.1, NM_133378.4, NM_133379.5); c.4325C>T, p.Thr1442Met (NM_003319.4, NM_133432.3, NM_133437.4); c.4463C>T (NM_001267550.1); short protein forms T1442M, T1488M.
Identifiers: ClinVar variation 1204156 (VCV001204156.4), dbSNP rs111282958, ClinGen allele CA2005322.
Genomic context (GRCh38, chr2:178,777,721, plus strand): 5'-TTTGTGTTTTTATGATTCATGAGCAAAAACTTATCACGCTTACCATCATGAAACCAGAAC[G>A]TCTCTGGCATAGGTCTACCAACAACCTTTAAGTCAAATCTGGCAGTTTGCCCTTCTAAAC-3'
Protein context (NP_001254479.2, residues 1478-1498): LKVVGRPMPE[Thr1488Met]FWFHDGQQIV